The following is an entry in ClinVar:

ClinVar aggregate classification (germline): Conflicting classifications of pathogenicity. Review status: criteria provided, conflicting classifications (1 of 4 stars). 3 submissions from 3 submitters: Uncertain significance (2); Likely benign (1). Last evaluated 2025-05-09.

Conditions:
Congenital heart disease (CHD). Identifiers: MedGen C0152021, MONDO:0005453. Disease mechanism: unknown.
Noonan syndrome 9 (NS9). Identifiers: Orphanet 648, MedGen C4225282, MONDO:0014691, OMIM 616559.

Allele frequency attached by ClinVar (database versions not stated): ExAC 0.00005; gnomAD 0.00001; TOPMed 0.00001; gnomAD exomes 0.00002 and 0.00003.
gnomAD v4.1: 46 of 1,613,854 alleles (0.0029%); highest among the groups gnomAD compares: Non-Finnish European, 0.0037%; no homozygotes.

Submissions (3):

Women's Health and Genetics/Laboratory Corporation of America, LabCorp
Classification: Uncertain significance. Last evaluated: 2025-05-09. Review status: criteria provided, single submitter. Criteria: LabCorp Variant Classification Summary - May 2015. Collection method: clinical testing. Allele origin: germline.
Comment: Variant summary: SOS2 c.1615C>T (p.Leu539Phe) results in a non-conservative amino acid change in the encoded protein sequence. Algorithms developed to predict the effect of missense changes on protein structure and function all suggest that this variant is likely to be disruptive. The variant allele was found at a frequency of 2.4e-05 in 250994 control chromosomes. The available data on variant occurrences in the general population are insufficient to allow any conclusion about variant significance. To our knowledge, no occurrence of c.1615C>T in individuals affected with Noonan Syndrome and no experimental evidence demonstrating its impact on protein function have been reported. ClinVar contains an entry for this variant (Variation ID: 1466234). Based on the evidence outlined above, the variant was classified as uncertain significance.

Labcorp Genetics (formerly Invitae), Labcorp
Classification: Uncertain significance for Noonan syndrome 9. Last evaluated: 2025-03-26. Review status: criteria provided, single submitter. Criteria: Invitae Variant Classification Sherloc (09022015). Collection method: clinical testing. Allele origin: germline.
Comment: This sequence change replaces leucine, which is neutral and non-polar, with phenylalanine, which is neutral and non-polar, at codon 539 of the SOS2 protein (p.Leu539Phe). This variant is present in population databases (rs781687371, gnomAD 0.004%). This variant has not been reported in the literature in individuals affected with SOS2-related conditions. ClinVar contains an entry for this variant (Variation ID: 1466234). Invitae Evidence Modeling of protein sequence and biophysical properties (such as structural, functional, and spatial information, amino acid conservation, physicochemical variation, residue mobility, and thermodynamic stability) has been performed for this missense variant. However, the output from this modeling did not meet the statistical confidence thresholds required to predict the impact of this variant on SOS2 protein function. In summary, the available evidence is currently insufficient to determine the role of this variant in disease. Therefore, it has been classified as a Variant of Uncertain Significance.

Cambridge Genomics Laboratory, East Genomic Laboratory Hub, NHS Genomic Medicine Service
Classification: Likely benign for Congenital heart disease. Last evaluated: 2020-04-28. Review status: criteria provided, single submitter. Criteria: ACGS Best Practice Guidelines for Variant Classification in Rare Disease 2020. Collection method: clinical testing. Allele origin: germline. Affected: yes. Observed: 1 variant allele.

NM_006939.4(SOS2):c.1615C>T (p.Leu539Phe)

Gene: SOS2 (SOS Ras/Rho guanine nucleotide exchange factor 2; minus strand). Cytogenetic location: 14q21.3.
Variant type: single nucleotide variant.
Coding change: c.1615C>T on transcript NM_006939.4 (MANE Select); coding-DNA position 1615, C replaced by T.
Protein change: p.Leu539Phe; replaces leucine 539 with phenylalanine.
Molecular consequence: missense variant.
Genome position (GRCh38, 1-based): chr14:50,159,668, G>A on the plus strand (C>T on the coding strand, the complement: SOS2 is on the minus strand). VCF-style: chr14-50159668-G-A. GRCh37 (hg19) VCF-style: chr14-50626386-G-A.
Other names: short protein forms L539F.
Identifiers: ClinVar variation 1466234 (VCV001466234.8), dbSNP rs781687371, ClinGen allele CA7177260.